The following is an entry in ClinVar:

NM_001330078.2(NRXN1):c.236_253del (p.Leu79_Thr84del)

Gene: NRXN1 (neurexin 1; minus strand). Cytogenetic location: 2p16.3.
Variant type: Deletion.
Coding change: c.236_253del on transcript NM_001330078.2 (MANE Select); coding-DNA positions 236 to 253, 18 bases deleted (TGGAGCTGATTCTGACGC).
Protein change: p.Leu79_Thr84del.
Molecular consequence: inframe deletion.
Genome position (GRCh38, 1-based): chr2:51,028,021-51,028,038, GCGTCAGAATCAGCTCCA deleted on the plus strand (TGGAGCTGATTCTGACGC on the coding strand, the reverse complement: NRXN1 is on the minus strand); deleting any 18 consecutive bases within chr2:51,028,021-51,028,039 gives the same sequence; the c. name uses the placement nearest the transcript's 3' end. VCF-style (leftmost placement, unchanged base first): chr2-51028020-CGCGTCAGAATCAGCTCCA-C. GRCh37 (hg19) VCF-style: chr2-51255158-CGCGTCAGAATCAGCTCCA-C.
Other names: c.236_253del, p.Leu79_Thr84del (NM_001135659.3, NM_001330077.2, NM_001330079.2 and 15 more transcripts).
Identifiers: ClinVar variation 4721722 (VCV004721722.1).
Genomic context (GRCh38, chr2:51,028,020, plus strand): 5'-GCCAGGAGCGTCGCAGGCTCAGCGCAGAAGATGGAGAAGCTGAGCTGCAGGCGGCCGCCG[CGCGTCAGAATCAGCTCCA>C]GGAAGTCGCAGAAGCCCTCGTCGTCGAAGTAGAGCACGAGGCCGCGGGCGCTGCGAGTCT-3'

ClinVar aggregate classification (germline): Uncertain significance (1 of 4 stars; one submission).

Conditions:
Pitt-Hopkins-like syndrome 2 (PTHSL2). Identifiers: Orphanet 221150, Orphanet 600663, MedGen C3280479, MONDO:0013690, OMIM 614325.

Submission:

Labcorp Genetics (formerly Invitae), Labcorp
Classification: Uncertain significance for Pitt-Hopkins-like syndrome 2. Last evaluated: 2025-06-19. Review status: criteria provided, single submitter. Criteria: Invitae Variant Classification Sherloc (09022015). Collection method: clinical testing. Allele origin: germline.
Comment: This variant, c.236_253del, results in the deletion of 6 amino acid(s) of the NRXN1 protein (p.Leu79_Thr84del), but otherwise preserves the integrity of the reading frame. This variant is not present in population databases (gnomAD no frequency). This variant has not been reported in the literature in individuals affected with NRXN1-related conditions. Experimental studies and prediction algorithms are not available or were not evaluated, and the functional significance of this variant is currently unknown. In summary, the available evidence is currently insufficient to determine the role of this variant in disease. Therefore, it has been classified as a Variant of Uncertain Significance.